The following is an entry in ClinVar:

ClinVar aggregate classification (germline): Uncertain significance (1 of 4 stars; one submission).

gnomAD v4.1: 14 of 1,614,006 alleles (0.00087%); highest among the groups gnomAD compares: East Asian, 0.0022%; no homozygotes.

Submission:

Labcorp Genetics (formerly Invitae), Labcorp
Classification: Uncertain significance. Last evaluated: 2025-12-06. Review status: criteria provided, single submitter. Criteria: Invitae Variant Classification Sherloc (09022015). Collection method: clinical testing. Allele origin: germline.
Comment: This sequence change replaces arginine, which is basic and polar, with glutamine, which is neutral and polar, at codon 328 of the POLG2 protein (p.Arg328Gln). This variant is present in population databases (rs563195356, gnomAD 0.006%). This variant has not been reported in the literature in individuals affected with POLG2-related conditions. ClinVar contains an entry for this variant (Variation ID: 3619180). An algorithm developed to predict the effect of missense changes on protein structure and function (PolyPhen-2) suggests that this variant is likely to be disruptive. In summary, the available evidence is currently insufficient to determine the role of this variant in disease. Therefore, it has been classified as a Variant of Uncertain Significance.

NM_007215.4(POLG2):c.983G>A (p.Arg328Gln)

Genes: MILR1 (mast cell immunoglobulin like receptor 1; plus strand), POLG2 (DNA polymerase gamma 2, accessory subunit; minus strand). Cytogenetic location: 17q23.3.
Variant type: single nucleotide variant.
Coding change: c.983G>A on transcript NM_007215.4 (MANE Select); coding-DNA position 983, G replaced by A.
Protein change: p.Arg328Gln; replaces arginine 328 with glutamine.
Molecular consequence: missense variant.
Genome position (GRCh38, 1-based): chr17:64,485,855, C>T on the plus strand (G>A on the coding strand, the complement: POLG2 is on the minus strand). VCF-style: chr17-64485855-C-T. GRCh37 (hg19) VCF-style: chr17-62481972-C-T.
Other names: short protein forms R328Q.
Identifiers: ClinVar variation 3619180 (VCV003619180.2).